The following is an entry in ClinVar:

NM_001458.5(FLNC):c.6890dup (p.Pro2298fs)

Genes: FLNC (filamin C; plus strand), FLNC-AS1 (FLNC antisense RNA 1; minus strand). Cytogenetic location: 7q32.1.
Variant type: Duplication.
Coding change: c.6890dup on transcript NM_001458.5 (MANE Select); coding-DNA position 6890, one base duplicated (T; older notation c.6890dupT).
Protein change: p.Pro2298fs; shifts the reading frame from proline 2298.
Molecular consequence: frameshift variant.
Genome position (GRCh38, 1-based): chr7:128,854,575, T duplicated. VCF-style (leftmost placement, unchanged base first): chr7-128854574-G-GT. GRCh37 (hg19) VCF-style: chr7-128494628-G-GT.
Other names: c.6791dup, p.Pro2265fs (NM_001127487.2); short protein forms P2265fs, P2298fs.
Identifiers: ClinVar variation 2019903 (VCV002019903.4), dbSNP rs2536665228, ClinGen allele CA2580076534.

ClinVar aggregate classification (germline): Pathogenic (1 of 4 stars; one submission).

Conditions:
Myofibrillar myopathy 5. Also called: Filaminopathy (type); FILAMINOPATHY, AUTOSOMAL DOMINANT. Identifiers: Orphanet 171445, MedGen C1836050, MONDO:0012289, OMIM 609524.
Distal myopathy with posterior leg and anterior hand involvement. Also called: WILLIAMS DISTAL MYOPATHY. Identifiers: Orphanet 63273, MedGen C3279722, MONDO:0013550, OMIM 614065.
Hypertrophic cardiomyopathy 26. Also called: Cardiomyopathy, familial hypertrophic, 26. Identifiers: Orphanet 75249, MedGen C4310749, MONDO:0014883, OMIM 617047.

Submission:

Labcorp Genetics (formerly Invitae), Labcorp
Classification: Pathogenic for Distal myopathy with posterior leg and anterior hand involvement; Myofibrillar myopathy 5; Hypertrophic cardiomyopathy 26. Last evaluated: 2025-06-24. Review status: criteria provided, single submitter. Criteria: Invitae Variant Classification Sherloc (09022015). Collection method: clinical testing. Allele origin: germline.
Comment: This sequence change creates a premature translational stop signal (p.Pro2298Alafs*14) in the FLNC gene. It is expected to result in an absent or disrupted protein product. Loss-of-function variants in FLNC are known to be pathogenic (PMID: 27908349). This variant is not present in population databases (gnomAD no frequency). This variant has not been reported in the literature in individuals affected with FLNC-related conditions. ClinVar contains an entry for this variant (Variation ID: 2019903). For these reasons, this variant has been classified as Pathogenic.

Literature cited by the submitters: PubMed 27908349.